The following is an entry in ClinVar:

ClinVar aggregate classification (germline): Uncertain significance (1 of 4 stars; one submission).

Conditions:
Neurodevelopmental disorder with central hypotonia and dysmorphic facies (NEDCHF). Identifiers: MedGen C5676944, MONDO:0859232, OMIM 619797.

gnomAD v4.1: 10 of 1,614,116 alleles (0.00062%); highest among the groups gnomAD compares: South Asian, 0.011%; no homozygotes.

Submission:

Neuberg Centre For Genomic Medicine, NCGM
Classification: Uncertain significance for Neurodevelopmental disorder with central hypotonia and dysmorphic facies. Last evaluated: 2023-05-20. Review status: criteria provided, single submitter. Criteria: ACMG Guidelines, 2015. Collection method: clinical testing. Allele origin: germline. Inheritance: Autosomal dominant inheritance. Affected: yes.
Comment: The observed missense c.2574C>G(p.Ser858Arg) variant in HDAC4 gene has not been reported previously as a pathogenic variant nor as a benign variant, to our knowledge. This variant is present with an allele frequency of 0.0008% in gnomAD Exomes database. This variant has not been submitted to the ClinVar database. Multiple lines of computational evidence (Polyphen - benign, SIFT - Tolerated, and MutationTaster -polymorphism) predict no damaging effect on protein structure and function for this variant. The amino acid Ser at position 858 is changed to a Arg changing protein sequence and it might alter its composition and physico-chemical properties. For these reasons, this variant has been classified as Variant of Uncertain Significance (VUS).

NM_001378414.1(HDAC4):c.2574C>G (p.Ser858Arg)

Gene: HDAC4 (histone deacetylase 4; minus strand). Cytogenetic location: 2q37.3.
Variant type: single nucleotide variant.
Coding change: c.2574C>G on transcript NM_001378414.1 (MANE Select); coding-DNA position 2574, C replaced by G.
Protein change: p.Ser858Arg; replaces serine 858 with arginine.
Molecular consequence: missense variant.
Genome position (GRCh38, 1-based): chr2:239,082,180, G>C on the plus strand (C>G on the coding strand, the complement: HDAC4 is on the minus strand). VCF-style: chr2-239082180-G-C. GRCh37 (hg19) VCF-style: chr2-240003876-G-C.
Other names: c.2574C>G, p.Ser858Arg (NM_001378415.1); c.2559C>G, p.Ser853Arg (NM_001378416.1, NM_001378417.1, NM_006037.4); short protein forms S853R, S858R.
Identifiers: ClinVar variation 3341484 (VCV003341484.1).